The following is an entry in ClinVar:

ClinVar aggregate classification (germline): Uncertain significance (1 of 4 stars; one submission).

Submission:

Labcorp Genetics (formerly Invitae), Labcorp
Classification: Uncertain significance. Last evaluated: 2025-12-08. Review status: criteria provided, single submitter. Criteria: Invitae Variant Classification Sherloc (09022015). Collection method: clinical testing. Allele origin: germline.
Comment: This sequence change replaces valine, which is neutral and non-polar, with phenylalanine, which is neutral and non-polar, at codon 261 of the RNF31 protein (p.Val261Phe). The frequency data for this variant in the population databases is considered unreliable, as metrics indicate poor data quality at this position in the gnomAD database. This variant has not been reported in the literature in individuals affected with RNF31-related conditions. An algorithm developed to predict the effect of missense changes on protein structure and function (PolyPhen-2) suggests that this variant is likely to be tolerated. In summary, the available evidence is currently insufficient to determine the role of this variant in disease. Therefore, it has been classified as a Variant of Uncertain Significance.

NM_017999.5(RNF31):c.781G>T (p.Val261Phe)

Gene: RNF31 (ring finger protein 31; plus strand). Cytogenetic location: 14q12.
Variant type: single nucleotide variant.
Coding change: c.781G>T on transcript NM_017999.5 (MANE Select); coding-DNA position 781, G replaced by T.
Protein change: p.Val261Phe; replaces valine 261 with phenylalanine.
Molecular consequence: missense variant.
Genome position (GRCh38, 1-based): chr14:24,149,555, G>T. VCF-style: chr14-24149555-G-T. GRCh37 (hg19) VCF-style: chr14-24618764-G-T.
Other names: c.328G>T, p.Val110Phe (NM_001310332.2); short protein forms V110F, V261F.
Identifiers: ClinVar variation 4803107 (VCV004803107.1).